The following is an entry in ClinVar:

ClinVar aggregate classification (germline): Uncertain significance (1 of 4 stars; one submission).

Allele frequency attached by ClinVar (database versions not stated): gnomAD exomes 0.00001; ExAC 0.00002.
gnomAD v4.1: 9 of 1,613,452 alleles (0.00056%); highest among the groups gnomAD compares: East Asian, 0.0022%; no homozygotes.

Submission:

Labcorp Genetics (formerly Invitae), Labcorp
Classification: Uncertain significance. Last evaluated: 2024-11-18. Review status: criteria provided, single submitter. Criteria: Invitae Variant Classification Sherloc (09022015). Collection method: clinical testing. Allele origin: germline.
Comment: This sequence change replaces arginine, which is basic and polar, with glutamine, which is neutral and polar, at codon 1234 of the SPEG protein (p.Arg1234Gln). This variant is present in population databases (rs749872640, gnomAD 0.006%). This variant has not been reported in the literature in individuals affected with SPEG-related conditions. ClinVar contains an entry for this variant (Variation ID: 1406390). An algorithm developed to predict the effect of missense changes on protein structure and function (PolyPhen-2) suggests that this variant is likely to be disruptive. In summary, the available evidence is currently insufficient to determine the role of this variant in disease. Therefore, it has been classified as a Variant of Uncertain Significance.

NM_005876.5(SPEG):c.3701G>A (p.Arg1234Gln)

Gene: SPEG (striated muscle enriched protein kinase; plus strand). Cytogenetic location: 2q35.
Variant type: single nucleotide variant.
Coding change: c.3701G>A on transcript NM_005876.5 (MANE Select); coding-DNA position 3701, G replaced by A.
Protein change: p.Arg1234Gln; replaces arginine 1234 with glutamine.
Molecular consequence: missense variant.
Genome position (GRCh38, 1-based): chr2:219,469,365, G>A. VCF-style: chr2-219469365-G-A. GRCh37 (hg19) VCF-style: chr2-220334087-G-A.
Other names: short protein forms R1234Q.
Identifiers: ClinVar variation 1406390 (VCV001406390.6), dbSNP rs749872640, ClinGen allele CA2126243.